The following is an entry in ClinVar:

ClinVar aggregate classification (germline): Benign/Likely benign. Review status: criteria provided, multiple submitters, no conflicts (2 of 4 stars). 3 submissions from 3 submitters: Benign (2); Likely benign (1). Last evaluated 2026-01-18.

Conditions:
TRPM1-related disorder. Also called: TRPM1-related condition.
Congenital stationary night blindness 1C. Also called: Night blindness, congenital stationary (complete), 1C, autosomal recessive. Identifiers: Orphanet 215, MedGen C2750747, MONDO:0013183, OMIM 613216.

Allele frequency attached by ClinVar (database versions not stated): TOPMed 0.00116; 1000 Genomes Project 30x 0.00172; 1000 Genomes Project 0.00180.
gnomAD v4.1: 906 of 1,614,196 alleles (0.056%); highest among the groups gnomAD compares: East Asian, 1.8%; 9 homozygotes.

Submissions (3):

Labcorp Genetics (formerly Invitae), Labcorp
Classification: Benign. Last evaluated: 2026-01-18. Review status: criteria provided, single submitter. Criteria: Invitae Variant Classification Sherloc (09022015). Collection method: clinical testing. Allele origin: germline.

PreventionGenetics, part of Exact Sciences
Classification: Likely benign for TRPM1-related condition. Last evaluated: 2025-04-02. Review status: criteria provided, single submitter. Criteria: ACMG Guidelines, 2015. Collection method: clinical testing. Allele origin: germline.
Comment: This variant is classified as likely benign based on ACMG/AMP sequence variant interpretation guidelines (Richards et al. 2015 PMID: 25741868, with internal and published modifications).

Illumina Laboratory Services, Illumina
Classification: Benign for Congenital stationary night blindness 1C. Last evaluated: 2017-04-27. Review status: criteria provided, single submitter. Criteria: ICSL Variant Classification Criteria 13 December 2019. Collection method: clinical testing. Allele origin: germline.
Comment: This variant was observed as part of a predisposition screen in an ostensibly healthy population. A literature search was performed for the gene, cDNA change, and amino acid change (where applicable). Publications were found based on this search. The evidence from the literature, in combination with allele frequency data from public databases where available, was sufficient to rule this variant out of causing disease. Therefore, this variant is classified as benign.

Literature cited by the submitters: PubMed 19896113 (cited by Illumina Laboratory Services, Illumina).

NM_001252024.2(TRPM1):c.4330C>G (p.Arg1444Gly)

Gene: TRPM1 (transient receptor potential cation channel subfamily M member 1; minus strand). Cytogenetic location: 15q13.3.
Variant type: single nucleotide variant.
Coding change: c.4330C>G on transcript NM_001252024.2 (MANE Select); coding-DNA position 4330, C replaced by G.
Protein change: p.Arg1444Gly; replaces arginine 1444 with glycine.
Molecular consequence: missense variant.
Genome position (GRCh38, 1-based): chr15:31,002,370, G>C on the plus strand (C>G on the coding strand, the complement: TRPM1 is on the minus strand). VCF-style: chr15-31002370-G-C. GRCh37 (hg19) VCF-style: chr15-31294573-G-C.
Other names: c.4381C>G, p.Arg1461Gly (NM_001252020.2); c.4264C>G, p.Arg1422Gly (NM_002420.6); c.4381C>G (NM_001252020.1); short protein forms R1461G, R1444G, R1422G.
Identifiers: ClinVar variation 714555 (VCV000714555.15), dbSNP rs3784587, ClinGen allele CA7451665.